The following is an entry in ClinVar:

NC_000009.11:g.(?_34370797)_(34372941_?)dup

Gene: MYORG (myogenesis regulating glycosidase; minus strand). Cytogenetic location: 9p13.3.
Variant type: Duplication.
Identifiers: ClinVar variation 1681161 (VCV001681161.4).

ClinVar aggregate classification (germline): Uncertain significance (1 of 4 stars; one submission).

Submission:

Labcorp Genetics (formerly Invitae), Labcorp
Classification: Uncertain significance. Last evaluated: 2021-12-02. Review status: criteria provided, single submitter. Criteria: Invitae Variant Classification Sherloc (09022015). Collection method: clinical testing. Allele origin: germline.
Comment: Experimental studies and prediction algorithms are not available or were not evaluated, and the functional significance of this variant is currently unknown. In summary, the available evidence is currently insufficient to determine the role of this variant in disease. Therefore, it has been classified as a Variant of Uncertain Significance. This variant has not been reported in the literature in individuals affected with KIAA1161-related conditions. A copy number gain of the genomic region encompassing the full coding sequence of the KIAA1161 gene has been identified. The boundaries of this event are unknown as they extend beyond the assayed region for this gene and therefore may encompass additional genes. As the precise location of this event is unknown, it may be in tandem or it may be located elsewhere in the genome.